The following is an entry in ClinVar:

NM_001041.4(SI):c.257G>A (p.Gly86Glu)

Gene: SI (sucrase-isomaltase; minus strand). Cytogenetic location: 3q26.1.
Variant type: single nucleotide variant.
Coding change: c.257G>A on transcript NM_001041.4 (MANE Select); coding-DNA position 257, G replaced by A.
Protein change: p.Gly86Glu; replaces glycine 86 with glutamic acid.
Molecular consequence: missense variant.
Genome position (GRCh38, 1-based): chr3:165,069,194, C>T on the plus strand (G>A on the coding strand, the complement: SI is on the minus strand). VCF-style: chr3-165069194-C-T. GRCh37 (hg19) VCF-style: chr3-164786982-C-T.
Other names: short protein forms G86E.
Identifiers: ClinVar variation 2765654 (VCV002765654.3), dbSNP rs2473438370, ClinGen allele CA355035826.

ClinVar aggregate classification (germline): Uncertain significance (1 of 4 stars; one submission).

Submission:

Labcorp Genetics (formerly Invitae), Labcorp
Classification: Uncertain significance. Last evaluated: 2023-10-07. Review status: criteria provided, single submitter. Criteria: Invitae Variant Classification Sherloc (09022015). Collection method: clinical testing. Allele origin: germline.
Comment: This sequence change replaces glycine, which is neutral and non-polar, with glutamic acid, which is acidic and polar, at codon 86 of the SI protein (p.Gly86Glu). This variant is not present in population databases (gnomAD no frequency). This variant has not been reported in the literature in individuals affected with SI-related conditions. Algorithms developed to predict the effect of missense changes on protein structure and function output the following: SIFT: "Not Available"; PolyPhen-2: "Benign"; Align-GVGD: "Not Available". The glutamic acid amino acid residue is found in multiple mammalian species, which suggests that this missense change does not adversely affect protein function. In summary, the available evidence is currently insufficient to determine the role of this variant in disease. Therefore, it has been classified as a Variant of Uncertain Significance.